The following is an entry in ClinVar:

ClinVar aggregate classification (germline): Uncertain significance (1 of 4 stars; one submission).

Conditions:
Neuropathy, hereditary sensory and autonomic, type 2A (HSAN2A). Also called: ACROOSTEOLYSIS, GIACCAI TYPE; ACROOSTEOLYSIS, NEUROGENIC; MORVAN DISEASE; NEUROPATHY, CONGENITAL SENSORY; NEUROPATHY, HEREDITARY SENSORY RADICULAR, AUTOSOMAL RECESSIVE; NEUROPATHY, HEREDITARY SENSORY, TYPE IIA. Identifiers: Orphanet 970, MedGen C2752089, MONDO:0024309, OMIM 201300.
Pseudohypoaldosteronism type 2C (PHA2C). Also called: Pseudohypoaldosteronism Type IIC. Identifiers: Orphanet 757, Orphanet 88940, MedGen C1840391, MONDO:0013778, OMIM 614492.

Allele frequency attached by ClinVar (database versions not stated): gnomAD exomes below 0.00001; ExAC 0.00001; TOPMed 0.00001.
gnomAD v4.1: 4 of 1,614,188 alleles (0.00025%); highest among the groups gnomAD compares: Non-Finnish European, 0.00034%; no homozygotes.

Submission:

Labcorp Genetics (formerly Invitae), Labcorp
Classification: Uncertain significance for Neuropathy, hereditary sensory and autonomic, type 2A; Pseudohypoaldosteronism type 2C. Last evaluated: 2021-10-09. Review status: criteria provided, single submitter. Criteria: Invitae Variant Classification Sherloc (09022015). Collection method: clinical testing. Allele origin: germline.
Comment: This sequence change replaces alanine with glycine at codon 1310 of the WNK1 protein (p.Ala1310Gly). The alanine residue is weakly conserved and there is a small physicochemical difference between alanine and glycine. This variant is present in population databases (rs750159327, ExAC 0.001%). This variant has not been reported in the literature in individuals affected with WNK1-related conditions. Advanced modeling of protein sequence and biophysical properties (such as structural, functional, and spatial information, amino acid conservation, physicochemical variation, residue mobility, and thermodynamic stability) performed at Invitae indicates that this missense variant is not expected to disrupt WNK1 protein function. Algorithms developed to predict the effect of sequence changes on RNA splicing suggest that this variant may create or strengthen a splice site. In summary, the available evidence is currently insufficient to determine the role of this variant in disease. Therefore, it has been classified as a Variant of Uncertain Significance.

NM_018979.4(WNK1):c.3173C>G (p.Ala1058Gly)

Gene: WNK1 (WNK lysine deficient protein kinase 1; plus strand). Cytogenetic location: 12p13.33.
Variant type: single nucleotide variant.
Coding change: c.3173C>G on transcript NM_018979.4 (MANE Select); coding-DNA position 3173, C replaced by G.
Protein change: p.Ala1058Gly; replaces alanine 1058 with glycine.
Molecular consequence: missense variant.
Genome position (GRCh38, 1-based): chr12:881,753, C>G. VCF-style: chr12-881753-C-G. GRCh37 (hg19) VCF-style: chr12-990919-C-G.
Other names: c.3953C>G, p.Ala1318Gly (NM_001184985.2); c.2432C>G, p.Ala811Gly (NM_014823.3); c.3929C>G, p.Ala1310Gly (NM_213655.5); short protein forms A1058G, A1310G, A1318G, A811G.
Identifiers: ClinVar variation 1490525 (VCV001490525.6), dbSNP rs750159327, ClinGen allele CA6382680.